The following is an entry in ClinVar:

NM_006269.2(RP1):c.413C>A (p.Pro138Gln)

Gene: RP1 (RP1 axonemal microtubule associated; plus strand). Cytogenetic location: 8q12.1.
Variant type: single nucleotide variant.
Coding change: c.413C>A on transcript NM_006269.2 (MANE Select); coding-DNA position 413, C replaced by A.
Protein change: p.Pro138Gln; replaces proline 138 with glutamine.
Molecular consequence: missense variant.
Genome position (GRCh38, 1-based): chr8:54,621,379, C>A. VCF-style: chr8-54621379-C-A. GRCh37 (hg19) VCF-style: chr8-55533939-C-A.
Other names: c.413C>A, p.Pro138Gln (NM_001375654.1); short protein forms P138Q.
Identifiers: ClinVar variation 4979955 (VCV004979955.1).

ClinVar aggregate classification (germline): Uncertain significance (1 of 4 stars; one submission).

Conditions:
RP1-related disorder. Also called: RP1-related condition.

gnomAD v4.1: 25 of 1,612,688 alleles (0.0016%); highest among the groups gnomAD compares: African/African-American, 0.0027%; no homozygotes.

Submission:

PreventionGenetics, part of Exact Sciences
Classification: Uncertain significance for RP1-related condition. Last evaluated: 2026-04-30. Review status: criteria provided, single submitter. Criteria: ACMG Guidelines, 2015. Collection method: clinical testing. Allele origin: germline.
Comment: The RP1 c.413C>A variant is predicted to result in the amino acid substitution p.Pro138Gln. To our knowledge, this variant has not been reported in the literature. This variant is reported in 0.0066% of alleles in individuals of African descent in gnomAD. At this time, the clinical significance of this variant is uncertain due to the absence of conclusive functional and genetic evidence.